The following is an entry in ClinVar:

ClinVar aggregate classification (germline): Uncertain significance (1 of 4 stars; one submission).

Submission:

Women's Health and Genetics/Laboratory Corporation of America, LabCorp
Classification: Uncertain significance. Last evaluated: 2026-05-21. Review status: criteria provided, single submitter. Criteria: LabCorp Variant Classification Summary - May 2015. Collection method: clinical testing. Allele origin: germline.
Comment: Variant summary: PAGR1 c.274A>C (p.Ser92Arg) results in a non-conservative amino acid change in the encoded protein sequence. Algorithms developed to predict the effect of missense changes on protein structure and function are either unavailable or do not agree on the potential impact of this missense change. The frequency data for this variant in gnomAD is considered unreliable, as metrics indicate poor data quality at this position. This report does not provide unequivocal conclusions about association of the variant with disease. To our knowledge, no experimental evidence demonstrating an impact on protein function has been reported. No submitters have cited clinical-significance assessments for this variant to ClinVar. Based on the evidence outlined above, the variant was classified as uncertain significance.

NM_024516.4(PAGR1):c.274A>C (p.Ser92Arg)

Genes: MVP-DT (MVP divergent transcript; minus strand), PAGR1 (PAXIP1 associated glutamate rich protein 1; plus strand). Cytogenetic location: 16p11.2.
Variant type: single nucleotide variant.
Coding change: c.274A>C on transcript NM_024516.4 (MANE Select); coding-DNA position 274, A replaced by C.
Protein change: p.Ser92Arg; replaces serine 92 with arginine.
Molecular consequence: missense variant.
Genome position (GRCh38, 1-based): chr16:29,816,799, A>C. VCF-style: chr16-29816799-A-C. GRCh37 (hg19) VCF-style: chr16-29828120-A-C.
Other names: short protein forms S92R.
Identifiers: ClinVar variation 4853718 (VCV004853718.1).